The following is an entry in ClinVar:

NM_001083962.2(TCF4):c.-41G>A

Gene: TCF4 (transcription factor 4; minus strand). Cytogenetic location: 18q21.2.
Variant type: single nucleotide variant.
Coding change: c.-41G>A on transcript NM_001083962.2 (MANE Select); 41 bases upstream of the start codon, G replaced by A.
Molecular consequence: 5 prime UTR variant. On other transcripts: intron variant (14).
Genome position (GRCh38, 1-based): chr18:55,588,058, C>T on the plus strand (G>A on the coding strand, the complement: TCF4 is on the minus strand). VCF-style: chr18-55588058-C-T. GRCh37 (hg19) VCF-style: chr18-53255289-C-T.
Other names: c.-41G>A (NM_001330604.3, NM_001369570.1, NM_001369573.1 and 2 more transcripts); c.-21G>A (NM_001369575.1, NM_001369578.1, NM_001369579.1 and 2 more transcripts); c.287-922G>A (NM_001243226.3); c.-1+1239G>A (NM_001369584.1, NM_001369576.1, NM_001369577.1 and 3 more transcripts); c.-20-922G>A (NM_001369571.1, NM_001369567.1, NM_001243228.2); c.66+412G>A (NM_001243230.2); c.-21+412G>A (NM_001369569.1, NM_001369572.1, NM_001369568.1).
Identifiers: ClinVar variation 681109 (VCV000681109.1), dbSNP rs1603624917, ClinGen allele CA915951562.

ClinVar aggregate classification (germline): Likely benign (1 of 4 stars; one submission).

Submission:

GeneDx
Classification: Likely benign. Last evaluated: 2018-03-23. Review status: criteria provided, single submitter. Criteria: GeneDx Variant Classification (06012015). Collection method: clinical testing. Allele origin: germline. Affected: yes.
Comment: This variant is considered likely benign or benign based on one or more of the following criteria: it is a conservative change, it occurs at a poorly conserved position in the protein, it is predicted to be benign by multiple in silico algorithms, and/or has population frequency not consistent with disease.